The following is an entry in ClinVar:

ClinVar aggregate classification (germline): Uncertain significance. Review status: criteria provided, multiple submitters, no conflicts (2 of 4 stars). 2 submissions from 2 submitters: Uncertain significance (2). Last evaluated 2025-12-21.

Conditions:
Familial thoracic aortic aneurysm and aortic dissection (TAAD). Also called: Thoracic aortic aneurysms and dissections. Identifiers: Orphanet 91387, MedGen C4707243, MONDO:0019625.
Marfan syndrome (MFS). Also called: FBN1-Related Marfan Syndrome; MARFAN SYNDROME, TYPE I; Marfan syndrome type 1; Marfan's syndrome; Marfan syndrome, classic. Identifiers: Orphanet 284963, Orphanet 558, MedGen C0024796, MONDO:0007947, OMIM 154700.

gnomAD v4.1: 8 of 1,614,194 alleles (0.0005%); highest among the groups gnomAD compares: Non-Finnish European, 0.00068%; no homozygotes.

Submissions (2):

Ambry Genetics
Classification: Uncertain significance for Familial thoracic aortic aneurysm and aortic dissection. Last evaluated: 2025-12-21. Review status: criteria provided, single submitter. Criteria: Ambry Variant Classification Scheme 2023. Collection method: clinical testing. Allele origin: germline.
Comment: The p.E2640A variant (also known as c.7919A>C), located in coding exon 63 of the FBN1 gene, results from an A to C substitution at nucleotide position 7919. The glutamic acid at codon 2640 is replaced by alanine, an amino acid with dissimilar properties. This amino acid position is conserved. In addition, this alteration is predicted to be deleterious by in silico analysis. Based on the available evidence, the clinical significance of this variant remains unclear.

Labcorp Genetics (formerly Invitae), Labcorp
Classification: Uncertain significance for Marfan syndrome; Familial thoracic aortic aneurysm and aortic dissection. Last evaluated: 2025-10-08. Review status: criteria provided, single submitter. Criteria: Invitae Variant Classification Sherloc (09022015). Collection method: clinical testing. Allele origin: germline.
Comment: This sequence change replaces glutamic acid, which is acidic and polar, with alanine, which is neutral and non-polar, at codon 2640 of the FBN1 protein (p.Glu2640Ala). This variant is present in population databases (rs755825345, gnomAD 0.0009%). This variant has not been reported in the literature in individuals affected with FBN1-related conditions. Invitae Evidence Modeling of protein sequence and biophysical properties (such as structural, functional, and spatial information, amino acid conservation, physicochemical variation, residue mobility, and thermodynamic stability) indicates that this missense variant is expected to disrupt FBN1 protein function with a positive predictive value of 80%. In summary, the available evidence is currently insufficient to determine the role of this variant in disease. Therefore, it has been classified as a Variant of Uncertain Significance.

NM_000138.5(FBN1):c.7919A>C (p.Glu2640Ala)

Gene: FBN1 (fibrillin 1; minus strand). Cytogenetic location: 15q21.1.
Variant type: single nucleotide variant.
Coding change: c.7919A>C on transcript NM_000138.5 (MANE Select); coding-DNA position 7919, A replaced by C.
Protein change: p.Glu2640Ala; replaces glutamic acid 2640 with alanine.
Molecular consequence: missense variant.
Genome position (GRCh38, 1-based): chr15:48,415,668, T>G on the plus strand (A>C on the coding strand, the complement: FBN1 is on the minus strand). VCF-style: chr15-48415668-T-G. GRCh37 (hg19) VCF-style: chr15-48707865-T-G.
Other names: c.7919A>C, p.Glu2640Ala (NM_001406716.1); short protein forms E2640A.
Identifiers: ClinVar variation 4787601 (VCV004787601.2).